The following is an entry in ClinVar:

NM_022089.4(ATP13A2):c.1856C>T (p.Pro619Leu)

Gene: ATP13A2 (ATPase cation transporting 13A2; minus strand). Cytogenetic location: 1p36.13.
Variant type: single nucleotide variant.
Coding change: c.1856C>T on transcript NM_022089.4 (MANE Select); coding-DNA position 1856, C replaced by T.
Protein change: p.Pro619Leu; replaces proline 619 with leucine.
Molecular consequence: missense variant.
Genome position (GRCh38, 1-based): chr1:16,992,392, G>A on the plus strand (C>T on the coding strand, the complement: ATP13A2 is on the minus strand). VCF-style: chr1-16992392-G-A. GRCh37 (hg19) VCF-style: chr1-17318887-G-A.
Other names: c.1841C>T, p.Pro614Leu (NM_001141973.3, NM_001141974.3); c.1856C>T (NM_022089.2); short protein forms P614L, P619L.
Identifiers: ClinVar variation 1490128 (VCV001490128.8), dbSNP rs746563424, ClinGen allele CA637049.

ClinVar aggregate classification (germline): Uncertain significance. Review status: criteria provided, multiple submitters, no conflicts (2 of 4 stars). 3 submissions from 3 submitters: Uncertain significance (3). Last evaluated 2024-11-13.

Conditions:
Autosomal recessive spastic paraplegia type 78. Identifiers: Orphanet 513436, MedGen C5567893, MONDO:0014975, OMIM 617225.
Kufor-Rakeb syndrome (KRS). Also called: PARKINSON DISEASE 9, AUTOSOMAL RECESSIVE, JUVENILE-ONSET. Identifiers: Orphanet 306674, Orphanet 314632, MedGen C1847640, MONDO:0011706, OMIM 606693.
Inborn genetic diseases. Identifiers: MedGen C0950123, MeSH D030342.

Allele frequency attached by ClinVar (database versions not stated): gnomAD 0.00001; ExAC 0.00002; gnomAD exomes 0.00002 and 0.00004; TOPMed 0.00002.
gnomAD v4.1: 31 of 1,613,512 alleles (0.0019%); highest among the groups gnomAD compares: Middle Eastern, 0.033%; no homozygotes.

Submissions (3):

Ambry Genetics
Classification: Uncertain significance for Inborn genetic diseases. Last evaluated: 2024-11-13. Review status: criteria provided, single submitter. Criteria: Ambry Variant Classification Scheme 2023. Collection method: clinical testing. Allele origin: germline.

Labcorp Genetics (formerly Invitae), Labcorp
Classification: Uncertain significance for Kufor-Rakeb syndrome; Autosomal recessive spastic paraplegia type 78. Last evaluated: 2024-10-23. Review status: criteria provided, single submitter. Criteria: Invitae Variant Classification Sherloc (09022015). Collection method: clinical testing. Allele origin: germline.
Comment: This sequence change replaces proline, which is neutral and non-polar, with leucine, which is neutral and non-polar, at codon 619 of the ATP13A2 protein (p.Pro619Leu). This variant is present in population databases (rs746563424, gnomAD 0.01%). This variant has not been reported in the literature in individuals affected with ATP13A2-related conditions. ClinVar contains an entry for this variant (Variation ID: 1490128). Invitae Evidence Modeling of protein sequence and biophysical properties (such as structural, functional, and spatial information, amino acid conservation, physicochemical variation, residue mobility, and thermodynamic stability) indicates that this missense variant is not expected to disrupt ATP13A2 protein function with a negative predictive value of 80%. In summary, the available evidence is currently insufficient to determine the role of this variant in disease. Therefore, it has been classified as a Variant of Uncertain Significance.

Blueprint Genetics
Classification: Uncertain significance. Last evaluated: 2023-05-25. Review status: criteria provided, single submitter. Criteria: ACMG Guidelines, 2015. Collection method: clinical testing. Allele origin: germline.